The following is an entry in ClinVar:

NM_001372.4(DNAH9):c.614+2dup

Gene: DNAH9 (dynein axonemal heavy chain 9; plus strand). Cytogenetic location: 17p12.
Variant type: Duplication.
Coding change: c.614+2dup on transcript NM_001372.4 (MANE Select); the canonical splice donor site of the intron after coding-DNA position 614, one base duplicated (T; older notation c.614+2dupT).
Molecular consequence: splice donor variant.
Genome position (GRCh38, 1-based): chr17:11,608,327, T duplicated. VCF-style (leftmost placement, unchanged base first): chr17-11608326-G-GT. GRCh37 (hg19) VCF-style: chr17-11511643-G-GT.
Identifiers: ClinVar variation 2633133 (VCV002633133.1), dbSNP rs1449686846, ClinGen allele CA625310526.

ClinVar aggregate classification (germline): Likely pathogenic (1 of 4 stars; one submission).

Conditions:
DNAH9-related disorder. Also called: DNAH9-related condition.

Allele frequency attached by ClinVar (database versions not stated): gnomAD exomes below 0.00001.

Submission:

PreventionGenetics, part of Exact Sciences
Classification: Likely pathogenic for DNAH9-related condition. Last evaluated: 2023-05-24. Review status: criteria provided, single submitter. Criteria: ACMG Guidelines, 2015. Collection method: clinical testing. Allele origin: germline.
Comment: The DNAH9 c.614+2dupT variant is predicted to result in an intronic duplication. Based on available splicing prediction programs (Alamut Visual v2.11) this variant is prediction to abolish the consensus acceptor site. Variants that impact splicing of DNAH9 are expected to be pathogenic. To our knowledge, this variant has not been reported in the literature. This variant is reported in 0.0055% of alleles in individuals of East Asian descent in gnomAD. This variant is interpreted as likely pathogenic.